The following is an entry in ClinVar:

NC_000004.11:g.(?_130003441)_(130003548_?)del

Gene: SCLT1 (sodium channel and clathrin linker 1; minus strand). Cytogenetic location: 4q28.2.
Variant type: Deletion.
Identifiers: ClinVar variation 2427300 (VCV002427300.4).

ClinVar aggregate classification (germline): Pathogenic (1 of 4 stars; one submission).

Submission:

Labcorp Genetics (formerly Invitae), Labcorp
Classification: Pathogenic. Last evaluated: 2023-11-24. Review status: criteria provided, single submitter. Criteria: Invitae Variant Classification Sherloc (09022015). Collection method: clinical testing. Allele origin: germline.
Comment: This variant is a gross deletion of the genomic region encompassing exon(s) 2 of the SCLT1 gene. This deletion is out-of-frame, and is expected to create a premature termination codon and result in an absent or disrupted protein product. Loss-of-function variants in SCLT1 are known to be pathogenic (PMID: 28005958). This variant has not been reported in the literature in individuals affected with SCLT1-related conditions. For these reasons, this variant has been classified as Pathogenic.

Literature cited by the submitters: PubMed 28005958.